The following continues an entry in ClinVar:

NM_000277.3(PAH):c.814G>T (p.Gly272Ter)

Gene: PAH. ClinVar aggregate classification (germline): Pathogenic. Pathogenic (1).

Submissions 15 to 21 of 21:

UNC Molecular Genetics  Laboratory, University of North Carolina at Chapel Hill
Classification: Pathogenic for Phenylketonuria. Review status: criteria provided, single submitter. Criteria: ACMG Guidelines, 2015. Collection method: research. Allele origin: germline. Affected: yes. Observed: 1 variant allele. Study: NSIGHT-NC NEXUS. Not counted in ClinVar's aggregate classification.
Comment: The PAH c.814G>T (p.G272*) nonsense variant is predicted to result in premature termination of the PAH protein and/or nonsense-mediated decay. This variant has been previously reported as pathogenic in individuals with phenylketonuria (PMID: 8370573; 1975559; 1978553; 17935162; 10471838; 12655550).

PreventionGenetics, part of Exact Sciences
Classification: Pathogenic for PAH-related condition. Last evaluated: 2024-02-13. Review status: no assertion criteria provided. Collection method: clinical testing. Allele origin: germline. Not counted in ClinVar's aggregate classification.
Comment: The PAH c.814G>T variant is predicted to result in premature protein termination (p.Gly272*). This variant has been reported in the homozygous state or with a second pathogenic PAH variant in many patients with phenylalanine hydroxylase deficiency (for example, see Table S3 in Hillert A et al 2020. PubMed ID: 32668217). This variant and has been reported to essentially abolish PAH enzyme activity, and patients with this variant have been reported to be non-responsive to tetrahydrobiopterin (BH4) (Zurflüh et al. 2008. PubMed ID: 17935162). (Zurflüh et al. 2008. PubMed ID: 17935162). In the homozygous state, the c.814G>T variant has been associated with classical phenylketonuria (PKU) (Ellingsen et al. 1999. PubMed ID: 10471838). The ClinGen PAH Curation Expert Panel and multiple other outside laboratories classify this variant as pathogenic. Nonsense variants in PAH are expected to be pathogenic. Based on these observations, we also interpret this variant as pathogenic.

OMIM
Classification: Pathogenic for PHENYLKETONURIA. Last evaluated: 1993-09-01. Review status: no assertion criteria provided. Collection method: literature only. Allele origin: germline. Not counted in ClinVar's aggregate classification.

Clinical Genetics DNA and cytogenetics Diagnostics Lab, Erasmus MC, Erasmus Medical Center
Classification: Pathogenic. Review status: no assertion criteria provided. Collection method: clinical testing. Allele origin: germline. Affected: yes. Study: VKGL Data-share Consensus. Not counted in ClinVar's aggregate classification.

DeBelle Laboratory for Biochemical Genetics, MUHC/MCH RESEARCH INSTITUTE
No classification provided. Review status: no classification provided. Collection method: not provided. Allele origin: not provided. Not counted in ClinVar's aggregate classification.

Diagnostic Laboratory, Department of Genetics, University Medical Center Groningen
Classification: Pathogenic. Review status: no assertion criteria provided. Collection method: clinical testing. Allele origin: germline. Affected: yes. Study: VKGL Data-share Consensus. Not counted in ClinVar's aggregate classification.

Genome Diagnostics Laboratory, University Medical Center Utrecht
Classification: Pathogenic. Review status: no assertion criteria provided. Collection method: clinical testing. Allele origin: germline. Affected: yes. Study: VKGL Data-share Consensus. Not counted in ClinVar's aggregate classification.

Literature cited by the submitters: PubMed 1975559 (cited by 7 submitters); PubMed 1301187 (cited by Labcorp Genetics (formerly Invitae), Labcorp and Variantyx, Inc.); PubMed 9634518 (cited by Labcorp Genetics (formerly Invitae), Labcorp and Variantyx, Inc.); PubMed 10471838 (cited by 6 submitters); PubMed 17935162 (cited by 3 submitters); PubMed 32668217 (cited by Mayo Clinic Laboratories, Mayo Clinic); PubMed 23357515 (cited by Natera, Inc.); PubMed 7121329 (cited by Variantyx, Inc.); PubMed 370573 (cited by Variantyx, Inc.); PubMed 1978553 (cited by 4 submitters); PubMed 12655550 (cited by 3 submitters); PubMed 1671881 (cited by Myriad Genetics, Inc. and OMIM); PubMed 24350308 (cited by Myriad Genetics, Inc.); PubMed 26666653 (cited by Women's Health and Genetics/Laboratory Corporation of America, LabCorp); PubMed 20301677 (cited by UNC Molecular Genetics  Laboratory, University of North Carolina at Chapel Hill); PubMed 8370573 (cited by UNC Molecular Genetics  Laboratory, University of North Carolina at Chapel Hill and OMIM).